The following is an entry in ClinVar:

NM_001267550.2(TTN):c.66464-2A>G

Genes: TTN-AS1 (TTN antisense RNA 1; plus strand), TTN (titin; minus strand). Cytogenetic location: 2q31.2.
Variant type: single nucleotide variant.
Coding change: c.66464-2A>G on transcript NM_001267550.2 (MANE Select); the canonical splice acceptor site of the intron before coding-DNA position 66464, A replaced by G.
Molecular consequence: splice acceptor variant.
Genome position (GRCh38, 1-based): chr2:178,581,806, T>C on the plus strand (A>G on the coding strand, the complement: TTN is on the minus strand). VCF-style: chr2-178581806-T-C. GRCh37 (hg19) VCF-style: chr2-179446533-T-C.
Other names: c.39269-2A>G (NM_003319.4); c.39845-2A>G (NM_133437.4); c.39644-2A>G (NM_133432.3); c.58760-2A>G (NM_133378.4); c.61541-2A>G (NM_001256850.1).
Identifiers: ClinVar variation 651330 (VCV000651330.11), dbSNP rs1575921187, ClinGen allele CA349429077.

ClinVar aggregate classification (germline): Likely pathogenic. Review status: criteria provided, multiple submitters, no conflicts (2 of 4 stars). 2 submissions from 2 submitters: Likely pathogenic (2). Last evaluated 2020-02-26.

Conditions:
Cardiovascular phenotype. Identifiers: MedGen CN230736.
Autosomal recessive limb-girdle muscular dystrophy type 2J (LGMDR10). Also called: Limb-girdle muscular dystrophy, type 2J; MUSCULAR DYSTROPHY, LIMB-GIRDLE, AUTOSOMAL RECESSIVE 10. Identifiers: Orphanet 140922, MedGen C1837342, MONDO:0012127, OMIM 608807.
Dilated cardiomyopathy 1G (CMD1G). Identifiers: Orphanet 154, MedGen C1858763, MONDO:0011400, OMIM 604145.

Submissions (2):

Ambry Genetics
Classification: Likely pathogenic for Cardiovascular phenotype. Last evaluated: 2020-02-26. Review status: criteria provided, single submitter. Criteria: Ambry Variant Classification Scheme 2023. Collection method: clinical testing. Allele origin: germline.
Comment: The c.39269-2A>G intronic variant results from an A to G substitution two nucleotides upstream from coding exon 143 in the TTN gene. This nucleotide position is highly conserved in available vertebrate species. Exon 143 is located in the A-band region of the N2-B isoform of the titin protein and is constitutively expressed in TTN transcripts (percent spliced in or PSI 100%). This alteration disrupts the canonical splice site and is expected to cause aberrant splicing, resulting in an abnormal protein or a transcript that is subject to nonsense-mediated mRNA decay. While loss of function variants in TTN are present in 1-3% of the general population, truncating variants (a category that includes canonical splice site variants) in the A-band are the most common cause of dilated cardiomyopathy (DCM) (Herman DS et al. N. Engl. J. Med., 2012 Feb;366:619-28; Roberts AM et al. Sci Transl Med, 2015 Jan;7:270ra6). TTN truncating variants encoded in constitutive exons (PSI >90%) have been found to be significantly associated with DCM regardless of their position in titin (Schafer S et al. Nat. Genet., 2017 01;49:46-53). As such, this alteration is classified as likely pathogenic.

Labcorp Genetics (formerly Invitae), Labcorp
Classification: Likely pathogenic for Dilated cardiomyopathy 1G; Autosomal recessive limb-girdle muscular dystrophy type 2J. Last evaluated: 2018-07-25. Review status: criteria provided, single submitter. Criteria: Invitae Variant Classification Sherloc (09022015). Collection method: clinical testing. Allele origin: germline.
Comment: This variant is located in the A band of TTN (PMID: 25589632). Truncating variants in this region are significantly overrepresented in patients affected with dilated cardiomyopathy (PMID: 25589632). Truncating variants in this region have also been reported in individuals affected with autosomal recessive centronuclear myopathy (PMID: 23975875). In summary, the currently available evidence indicates that the variant is pathogenic, but additional data are needed to prove that conclusively. Therefore, this variant has been classified as Likely Pathogenic. This variant has not been reported in the literature in individuals with TTN-related disease. This variant is not present in population databases (ExAC no frequency). This sequence change affects an acceptor splice site in intron 315 of the TTN gene. It is expected to disrupt RNA splicing and likely results in an absent or disrupted protein product. While this is not anticipated to result in nonsense mediated decay, it is expected to create a truncated TTN protein.

Literature cited by the submitters: PubMed 25589632 (cited by Labcorp Genetics (formerly Invitae), Labcorp); PubMed 23975875 (cited by Labcorp Genetics (formerly Invitae), Labcorp).